The following is an entry in ClinVar:

ClinVar aggregate classification (germline): Uncertain significance (1 of 4 stars; one submission).

Conditions:
Familial Mediterranean fever (FMF). Also called: POLYSEROSITIS, FAMILIAL PAROXYSMAL; POLYSEROSITIS, RECURRENT; Periodic peritonitis; Benign paroxysmal peritonitis. Identifiers: Orphanet 342, MedGen C0031069, MONDO:0018088, OMIM 249100. Disease mechanism: gain of function.

gnomAD v4.1: 2 of 1,612,856 alleles (0.00012%); highest among the groups gnomAD compares: Non-Finnish European, 0.00017%; no homozygotes.

Submission:

Labcorp Genetics (formerly Invitae), Labcorp
Classification: Uncertain significance for Familial Mediterranean fever. Last evaluated: 2024-05-23. Review status: criteria provided, single submitter. Criteria: Invitae Variant Classification Sherloc (09022015). Collection method: clinical testing. Allele origin: germline.
Comment: This sequence change replaces glycine, which is neutral and non-polar, with arginine, which is basic and polar, at codon 218 of the MEFV protein (p.Gly218Arg). This variant is not present in population databases (gnomAD no frequency). This variant has not been reported in the literature in individuals affected with MEFV-related conditions. An algorithm developed to predict the effect of missense changes on protein structure and function (PolyPhen-2) suggests that this variant is likely to be tolerated. In summary, the available evidence is currently insufficient to determine the role of this variant in disease. Therefore, it has been classified as a Variant of Uncertain Significance.

NM_000243.3(MEFV):c.652G>C (p.Gly218Arg)

Gene: MEFV (MEFV innate immunity regulator, pyrin; minus strand). Cytogenetic location: 16p13.3.
Variant type: single nucleotide variant.
Coding change: c.652G>C on transcript NM_000243.3 (MANE Select); coding-DNA position 652, G replaced by C.
Protein change: p.Gly218Arg; replaces glycine 218 with arginine.
Molecular consequence: missense variant. On other transcripts: intron variant (1).
Genome position (GRCh38, 1-based): chr16:3,254,416, C>G on the plus strand (G>C on the coding strand, the complement: MEFV is on the minus strand). VCF-style: chr16-3254416-C-G. GRCh37 (hg19) VCF-style: chr16-3304416-C-G.
Other names: c.277+1895G>C (NM_001198536.2); short protein forms G218R.
Identifiers: ClinVar variation 3620207 (VCV003620207.2).